The following is an entry in ClinVar:

NM_198252.3(GSN):c.2096G>A (p.Gly699Asp)

Gene: GSN (gelsolin; plus strand). Cytogenetic location: 9q33.2.
Variant type: single nucleotide variant.
Coding change: c.2096G>A on transcript NM_198252.3 (MANE Select); coding-DNA position 2096, G replaced by A.
Protein change: p.Gly699Asp; replaces glycine 699 with aspartic acid.
Molecular consequence: missense variant.
Genome position (GRCh38, 1-based): chr9:121,332,503, G>A. VCF-style: chr9-121332503-G-A. GRCh37 (hg19) VCF-style: chr9-124094781-G-A.
Other names: c.2249G>A, p.Gly750Asp (NM_000177.5); c.2096G>A, p.Gly699Asp (NM_001127662.2, NM_001127664.2, NM_001127665.2 and 10 more transcripts); c.2204G>A, p.Gly735Asp (NM_001127663.2); c.2129G>A, p.Gly710Asp (NM_001127666.2, NM_001127667.2, NM_001353063.2 and 13 more transcripts); c.2147G>A, p.Gly716Asp (NM_001258029.2); c.2120G>A, p.Gly707Asp (NM_001258030.2); c.2168G>A, p.Gly723Asp (NM_001353076.2); c.1442G>A, p.Gly481Asp (NM_001353078.2); short protein forms G481D, G699D, G707D, G710D, G716D, G723D, G735D, G750D.
Identifiers: ClinVar variation 3346316 (VCV003346316.1).
Genomic context (GRCh38, chr9:121,332,503, plus strand): 5'-ACATCGAGACGGACCCAGCCAATCGGGATCGGCGGACGCCCATCACCGTGGTGAAGCAAG[G>A]CTTTGAGCCTCCCTCCTTTGTGGGCTGGTTCCTTGGCTGGGATGATGATTACTGGTCTGT-3'
Protein context (NP_937895.1, residues 689-709): RRTPITVVKQ[Gly699Asp]FEPPSFVGWF

ClinVar aggregate classification (germline): Uncertain significance (0 of 4 stars; one submission).

Conditions:
GSN-related disorder. Also called: GSN-related condition.

Submission:

PreventionGenetics, part of Exact Sciences
Classification: Uncertain significance for GSN-related condition. Last evaluated: 2024-07-06. Review status: no assertion criteria provided. Collection method: clinical testing. Allele origin: germline.
Comment: The GSN c.2249G>A variant is predicted to result in the amino acid substitution p.Gly750Asp. To our knowledge, this variant has not been reported in the literature or in a large population database, indicating this variant is rare. At this time, the clinical significance of this variant is uncertain due to the absence of conclusive functional and genetic evidence.